The following is an entry in ClinVar:

NM_000535.7(PMS2):c.2347G>A (p.Val783Ile)

Gene: PMS2 (PMS1 homolog 2, mismatch repair system component; minus strand). Cytogenetic location: 7p22.1.
Variant type: single nucleotide variant.
Coding change: c.2347G>A on transcript NM_000535.7 (MANE Select); coding-DNA position 2347, G replaced by A.
Protein change: p.Val783Ile; replaces valine 783 with isoleucine.
Molecular consequence: missense variant. On other transcripts: non-coding transcript variant (1).
Genome position (GRCh38, 1-based): chr7:5,977,686, C>T on the plus strand (G>A on the coding strand, the complement: PMS2 is on the minus strand). VCF-style: chr7-5977686-C-T. GRCh37 (hg19) VCF-style: chr7-6017317-C-T.
Other names: c.1942G>A, p.Val648Ile (NM_001322003.2, NM_001322004.2, NM_001322005.2); c.2191G>A, p.Val731Ile (NM_001322006.2); c.2029G>A, p.Val677Ile (NM_001322007.2, NM_001322008.2); c.1975G>A, p.Val659Ile (NM_001322009.2); c.1786G>A, p.Val596Ile (NM_001322010.2); c.1414G>A, p.Val472Ile (NM_001322011.2, NM_001322012.2); c.1774G>A, p.Val592Ile (NM_001322013.2); c.2380G>A, p.Val794Ile (NM_001322014.2); and 1 more; short protein forms V783I, V596I, V648I, V680I, V472I, V659I, V731I, V592I.
Identifiers: ClinVar variation 185820 (VCV000185820.38), dbSNP rs553286217, ClinGen allele CA011316.

ClinVar aggregate classification (germline): Conflicting classifications of pathogenicity. Review status: criteria provided, conflicting classifications (1 of 4 stars). 15 submissions from 15 submitters: Uncertain significance (11); Likely benign (2). 2 of the submissions do not count toward it. Last evaluated 2026-03-05.

Conditions:
Hereditary nonpolyposis colorectal neoplasms. Identifiers: MedGen C0009405, MeSH D003123.
PMS2-related disorder. Also called: PMS2-related condition.
Lynch syndrome. Identifiers: Orphanet 144, MedGen C4552100, MONDO:0005835. Disease mechanism: loss of function.
Hereditary cancer-predisposing syndrome. Also called: Hereditary Cancer Syndrome; Tumor predisposition; Hereditary neoplastic syndrome; Neoplastic Syndromes, Hereditary. Identifiers: Orphanet 140162, MedGen C0027672, MeSH D009386, MONDO:0015356.
Lynch syndrome 4 (LYNCH4). Also called: Hereditary non-polyposis colorectal cancer, type 4; Colorectal cancer, hereditary nonpolyposis, type 4. Identifiers: Orphanet 144, MedGen C1838333, MONDO:0013699, OMIM 614337. Disease mechanism: loss of function.

Allele frequency attached by ClinVar (database versions not stated): ExAC 0.00007; gnomAD 0.00004 and 0.00005; gnomAD exomes 0.00006.

Submissions 1 to 10 of 15:

Hema, HEMA – Genetic and Molecular Diagnostic Laboratory
Classification: Uncertain significance for Lynch syndrome. Last evaluated: 2026-03-05. Review status: criteria provided, single submitter. Criteria: HEMA Variant Classification Assertion Criteria. Collection method: clinical testing. Allele origin: germline.
Comment: The c.2347G>A p.(Val783Ile) variant is a transition from cytosine to thymine, resulting in the substitution of valine 783 with isoleucine. BP4: Prior probability of pathogenicity score MAPP/PP2 = 0.0002 < 0.11.

Center for Genomic Medicine, Rigshospitalet, Copenhagen University Hospital
Classification: Likely benign. Last evaluated: 2025-12-29. Review status: criteria provided, single submitter. Criteria: ACMG Guidelines, 2015. Collection method: clinical testing. Allele origin: germline.
Comment: Classification criteria: BS1, BP4

Labcorp Genetics (formerly Invitae), Labcorp
Classification: Uncertain significance for Hereditary nonpolyposis colorectal neoplasms. Last evaluated: 2025-12-21. Review status: criteria provided, single submitter. Criteria: Invitae Variant Classification Sherloc (09022015). Collection method: clinical testing. Allele origin: germline.
Comment: This sequence change replaces valine, which is neutral and non-polar, with isoleucine, which is neutral and non-polar, at codon 783 of the PMS2 protein (p.Val783Ile). The frequency data for this variant in the population databases (gnomAD) is considered unreliable due to the presence of homologous sequence, such as pseudogenes or paralogs, in the genome. This missense change has been observed in individual(s) with clinical features of Lynch syndrome (PMID: 25980754). ClinVar contains an entry for this variant (Variation ID: 185820). Invitae Evidence Modeling incorporating data from in vitro experimental studies (internal data) indicates that this missense variant is not expected to disrupt PMS2 function with a negative predictive value of 95%. In summary, the available evidence is currently insufficient to determine the role of this variant in disease. Therefore, it has been classified as a Variant of Uncertain Significance.

PreventionGenetics, part of Exact Sciences
Classification: Uncertain significance for PMS2-related condition. Last evaluated: 2025-11-20. Review status: criteria provided, single submitter. Criteria: ACMG Guidelines, 2015. Collection method: clinical testing. Allele origin: germline.
Comment: The PMS2 c.2347G>A variant is predicted to result in the amino acid substitution p.Val783Ile. This variant has been reported as uncertain in an individual with breast cancer (Supplementary data 1, Hu et al. 2022. PubMed ID: 35449176) and in an individual with suspected Lynch syndrome who also had a pathogenic BRCA2 variant (Supplemental Table 2, Yurgelun et al. 2015. PubMed ID: 25980754). This variant is reported in 0.020% of alleles in individuals of South Asian descent in gnomAD and has conflicting interpretations regarding its pathogenicity in ClinVar, ranging from likely benign to uncertain (Variation ID: 185820). At this time, the clinical significance of this variant is uncertain due to the absence of conclusive functional and genetic evidence.

Women's Health and Genetics/Laboratory Corporation of America, LabCorp
Classification: Uncertain significance. Last evaluated: 2025-09-19. Review status: criteria provided, single submitter. Criteria: LabCorp Variant Classification Summary - May 2015. Collection method: clinical testing. Allele origin: germline.
Comment: Variant summary: PMS2 c.2347G>A (p.Val783Ile) results in a conservative amino acid change located in the MutL, C-terminal, dimerisation domain (IPR014790) of the encoded protein sequence. Algorithms developed to predict the effect of missense changes on protein structure and function are either unavailable or do not agree on the potential impact of this missense change. The variant allele was found at a frequency of 5.6e-05 in 250156 control chromosomes. This frequency is not significantly higher than estimated for disease-causing variants in PMS2, allowing no conclusion about variant significance. c.2347G>A has been reported in the literature in an individual being tested for Lynch Syndrome and Breast cancer (Yurgelun_2015, Hu_2022). The report does not provide unequivocal conclusions about association of the variant with Hereditary Nonpolyposis Colorectal Cancer. At least one co-occurrence with another pathogenic variant has been reported (BRCA2 c.7008-2A>G; Yurgelun_2015). To our knowledge, no experimental evidence demonstrating an impact on protein function has been reported. The following publications have been ascertained in the context of this evaluation (PMID: 35449176, 27863258, 25980754). ClinVar contains an entry for this variant (Variation ID: 185820). Based on the evidence outlined above, the variant was classified as uncertain significance.

Quest Diagnostics Nichols Institute San Juan Capistrano
Classification: Uncertain significance. Last evaluated: 2024-07-24. Review status: criteria provided, single submitter. Criteria: Quest Diagnostics criteria. Collection method: clinical testing. Allele origin: unknown.
Comment: The PMS2 c.2347G>A (p.Val783Ile) variant has been reported in the published literature in an individual with breast cancer (PMID: 35449176 (2022)), and an individual with suspected Lynch syndrome who also carried a pathogenic BRCA2 variant (PMID: 25980754 (2015)). The frequency of this variant in the general population, 0.0002 (6/30514 chromosomes (Genome Aggregation Database)), is uninformative in the assessment of its pathogenicity. Analysis of this variant using bioinformatics tools for the prediction of the effect of amino acid changes on protein structure and function yielded predictions that this variant is benign. Based on the available information, we are unable to determine the clinical significance of this variant.

Color Diagnostics, LLC DBA Color Health
Classification: Uncertain significance for Hereditary cancer-predisposing syndrome. Last evaluated: 2024-01-23. Review status: criteria provided, single submitter. Criteria: ACMG Guidelines, 2015. Collection method: clinical testing. Allele origin: germline.
Comment: This missense variant replaces valine with isoleucine at codon 783 of the PMS2 protein. Computational prediction suggests that this variant may not impact protein structure and function (internally defined REVEL score threshold <= 0.5, PMID: 27666373). To our knowledge, functional studies have not been reported for this variant. This variant has been reported in an individual suspected of having Lynch syndrome (PMID: 25980754), as well as an individual affected with breast cancer (PMID: 33471991). This variant has also been observed in unaffected individuals (PMID: 34178123, 33471991). This variant has been identified in 14/250156 chromosomes in the general population by the Genome Aggregation Database (gnomAD). The available evidence is insufficient to determine the role of this variant in disease conclusively. Therefore, this variant is classified as a Variant of Uncertain Significance.

Myriad Genetics, Inc.
Classification: Uncertain significance for Lynch syndrome 4. Last evaluated: 2023-04-04. Review status: criteria provided, single submitter. Criteria: Myriad Autosomal Dominant, Autosomal Recessive and X-Linked Classification Criteria (2023). Collection method: clinical testing. Allele origin: unknown.
Comment: This variant is classified as a variant of uncertain significance as there is insufficient evidence to determine its impact on protein function and/or cancer risk.

GeneDx
Classification: Uncertain significance. Last evaluated: 2022-09-29. Review status: criteria provided, single submitter. Criteria: GeneDx Variant Classification Process June 2021. Collection method: clinical testing. Allele origin: germline. Affected: yes.
Comment: In silico analysis supports that this missense variant does not alter protein structure/function; This variant is associated with the following publications: (PMID: 22949387, 27863258, Fukui2011[Chapter], 33471991, 25980754)

Blueprint Genetics
Classification: Uncertain significance. Last evaluated: 2022-04-29. Review status: criteria provided, single submitter. Criteria: ACMG Guidelines, 2015. Collection method: clinical testing. Allele origin: germline.